The following is an entry in ClinVar:

ClinVar aggregate classification (germline): Uncertain significance. Review status: criteria provided, multiple submitters, no conflicts (2 of 4 stars). 3 submissions from 3 submitters: Uncertain significance (3). Last evaluated 2023-08-04.

Conditions:
Microcephaly 5, primary, autosomal recessive (MCPH5). Also called: ASPM Primary Microcephaly. Identifiers: Orphanet 2512, MedGen C1837501, MONDO:0012106, OMIM 608716.

Allele frequency attached by ClinVar (database versions not stated): ExAC 0.00001; gnomAD exomes 0.00001.
gnomAD v4.1: 15 of 1,609,968 alleles (0.00093%); highest among the groups gnomAD compares: Non-Finnish European, 0.0013%; no homozygotes.

Submissions (3):

Labcorp Genetics (formerly Invitae), Labcorp
Classification: Uncertain significance. Last evaluated: 2023-08-04. Review status: criteria provided, single submitter. Criteria: Invitae Variant Classification Sherloc (09022015). Collection method: clinical testing. Allele origin: germline.
Comment: This sequence change replaces histidine, which is basic and polar, with glutamine, which is neutral and polar, at codon 132 of the ASPM protein (p.His132Gln). This variant is present in population databases (rs761152464, gnomAD 0.002%). This variant has not been reported in the literature in individuals affected with ASPM-related conditions. ClinVar contains an entry for this variant (Variation ID: 1013546). Advanced modeling of protein sequence and biophysical properties (such as structural, functional, and spatial information, amino acid conservation, physicochemical variation, residue mobility, and thermodynamic stability) has been performed at Invitae for this missense variant, however the output from this modeling did not meet the statistical confidence thresholds required to predict the impact of this variant on ASPM protein function. In summary, the available evidence is currently insufficient to determine the role of this variant in disease. Therefore, it has been classified as a Variant of Uncertain Significance.

Genome-Nilou Lab
Classification: Uncertain significance for Microcephaly 5, primary, autosomal recessive. Last evaluated: 2023-04-11. Review status: criteria provided, single submitter. Criteria: ACMG Guidelines, 2015. Collection method: clinical testing. Allele origin: germline. Affected: no.

CeGaT Center for Human Genetics Tuebingen
Classification: Uncertain significance. Last evaluated: 2020-07-01. Review status: criteria provided, single submitter. Criteria: CeGaT Center For Human Genetics Tuebingen Variant Classification Criteria Version 2. Collection method: clinical testing. Allele origin: germline. Affected: yes. Observed: 1 variant allele.

NM_018136.5(ASPM):c.396C>G (p.His132Gln)

Gene: ASPM (assembly factor for spindle microtubules; minus strand). Cytogenetic location: 1q31.3.
Variant type: single nucleotide variant.
Coding change: c.396C>G on transcript NM_018136.5 (MANE Select); coding-DNA position 396, C replaced by G.
Protein change: p.His132Gln; replaces histidine 132 with glutamine.
Molecular consequence: missense variant.
Genome position (GRCh38, 1-based): chr1:197,144,002, G>C on the plus strand (C>G on the coding strand, the complement: ASPM is on the minus strand). VCF-style: chr1-197144002-G-C. GRCh37 (hg19) VCF-style: chr1-197113132-G-C.
Other names: c.396C>G, p.His132Gln (NM_001206846.2); short protein forms H132Q.
Identifiers: ClinVar variation 1013546 (VCV001013546.42), dbSNP rs761152464, ClinGen allele CA1310891.